The following is an entry in ClinVar:

NM_003919.3(SGCE):c.683C>T (p.Ala228Val)

Genes: CASD1 (CAS1 domain sialic acid O acetyltransferase 1; plus strand), SGCE (sarcoglycan epsilon; minus strand). Cytogenetic location: 7q21.3.
Variant type: single nucleotide variant.
Coding change: c.683C>T on transcript NM_003919.3 (MANE Select); coding-DNA position 683, C replaced by T.
Protein change: p.Ala228Val; replaces alanine 228 with valine.
Molecular consequence: missense variant.
Genome position (GRCh38, 1-based): chr7:94,603,432, G>A on the plus strand (C>T on the coding strand, the complement: SGCE is on the minus strand). VCF-style: chr7-94603432-G-A. GRCh37 (hg19) VCF-style: chr7-94232744-G-A.
Other names: c.410C>T, p.Ala137Val (NM_001346720.2, NM_001362808.2); c.596C>T, p.Ala199Val (NM_001362807.2, NM_001346719.2); c.560C>T, p.Ala187Val (NM_001362809.2, NM_001301139.2); c.683C>T, p.Ala228Val (NM_001099400.2, NM_001099401.2, NM_001346717.2); c.791C>T, p.Ala264Val (NM_001346713.2, NM_001346715.2); short protein forms A264V, A137V, A187V, A199V, A228V.
Identifiers: ClinVar variation 3655462 (VCV003655462.2).

ClinVar aggregate classification (germline): Uncertain significance (1 of 4 stars; one submission).

Conditions:
Myoclonic dystonia 11 (DYT11). Also called: Myoclonic dystonia; Dystonia 11; Dystonia, alcohol responsive; Hereditary essential myoclonus; SGCE Myoclonus-Dystonia; Myoclonus-Dystonia. Identifiers: Orphanet 36899, MedGen C1834570, MONDO:0008044, OMIM 159900.

Submission:

Labcorp Genetics (formerly Invitae), Labcorp
Classification: Uncertain significance for Myoclonic dystonia 11. Last evaluated: 2024-06-04. Review status: criteria provided, single submitter. Criteria: Invitae Variant Classification Sherloc (09022015). Collection method: clinical testing. Allele origin: germline.
Comment: This sequence change replaces alanine, which is neutral and non-polar, with valine, which is neutral and non-polar, at codon 228 of the SGCE protein (p.Ala228Val). This variant is not present in population databases (gnomAD no frequency). This variant has not been reported in the literature in individuals affected with SGCE-related conditions. Advanced modeling of protein sequence and biophysical properties (such as structural, functional, and spatial information, amino acid conservation, physicochemical variation, residue mobility, and thermodynamic stability) performed at Invitae indicates that this missense variant is not expected to disrupt SGCE protein function with a negative predictive value of 80%. In summary, the available evidence is currently insufficient to determine the role of this variant in disease. Therefore, it has been classified as a Variant of Uncertain Significance.